The following is an entry in ClinVar:

NM_001077365.2(POMT1):c.1252G>A (p.Ala418Thr)

Gene: POMT1 (protein O-mannosyltransferase 1; plus strand). Cytogenetic location: 9q34.13.
Variant type: single nucleotide variant.
Coding change: c.1252G>A on transcript NM_001077365.2 (MANE Select); coding-DNA position 1252, G replaced by A.
Protein change: p.Ala418Thr; replaces alanine 418 with threonine.
Molecular consequence: missense variant. On other transcripts: non-coding transcript variant (10).
Genome position (GRCh38, 1-based): chr9:131,515,502, G>A. VCF-style: chr9-131515502-G-A. GRCh37 (hg19) VCF-style: chr9-134390889-G-A.
Other names: c.1090G>A, p.Ala364Thr (NM_001077366.2, NM_001353194.2); c.1252G>A, p.Ala418Thr (NM_001136113.2, NM_001374690.1); c.901G>A, p.Ala301Thr (NM_001136114.2, NM_001353195.2, NM_001374691.1 and 2 more transcripts); c.1318G>A, p.Ala440Thr (NM_001353193.2, NM_007171.4); c.1162G>A, p.Ala388Thr (NM_001353196.2); c.1156G>A, p.Ala386Thr (NM_001353197.2, NM_001353198.2); c.967G>A, p.Ala323Thr (NM_001353199.2); c.796G>A, p.Ala266Thr (NM_001353200.2); and 2 more; short protein forms A440T, A266T, A301T, A386T, A388T, A418T, A323T, A364T.
Identifiers: ClinVar variation 166896 (VCV000166896.13), dbSNP rs142057517, ClinGen allele CA233762.
Genomic context (GRCh38, chr9:131,515,502, plus strand): 5'-CCCCTGAGCCCCCATTCACAGGAGGTCTCCTGCTACATTGACTATAACATCTCCATGCCC[G>A]CCCAGAACCTCTGGAGACTGGTGAGTAAGGCTGCGGCTATAGCAGCCACAACCGTCAGTA-3'
Protein context (NP_001070833.1, residues 408-428): CYIDYNISMP[Ala418Thr]QNLWRLEIVN

ClinVar aggregate classification (germline): Uncertain significance. Review status: criteria provided, multiple submitters, no conflicts (2 of 4 stars). 5 submissions from 5 submitters: Uncertain significance (5). Last evaluated 2025-04-28.

Conditions:
Walker-Warburg congenital muscular dystrophy. Also called: Muscular dystrophy-dystroglycanopathy, type A; Walker-Warburg syndrome. Identifiers: Orphanet 899, MedGen C0265221, MONDO:0000171.
Autosomal recessive limb-girdle muscular dystrophy type 2K. Also called: MUSCULAR DYSTROPHY-DYSTROGLYCANOPATHY (LIMB-GIRDLE), TYPE C, 1; MUSCULAR DYSTROPHY, LIMB-GIRDLE, TYPE 2K. Identifiers: Orphanet 86812, MedGen C1836373, MONDO:0012248, OMIM 609308.
Muscular dystrophy-dystroglycanopathy (congenital with impaired intellectual development), type B, 1. Also called: MUSCULAR DYSTROPHY, CONGENITAL, POMT1-RELATED; Muscular dystrophy-dystroglycanopathy (congenital with intellectual disability), type B1. Identifiers: MedGen C5436962, MONDO:0013159, OMIM 613155.

Allele frequency attached by ClinVar (database versions not stated): gnomAD exomes 0.00007 and 0.00008; ExAC 0.00008; gnomAD 0.00010; TOPMed 0.00012; ESP Exome Variant Server 0.00015; 1000 Genomes Project 30x 0.00016; 1000 Genomes Project 0.00020.
gnomAD v4.1: 117 of 1,614,092 alleles (0.0072%); highest among the groups gnomAD compares: South Asian, 0.033%; no homozygotes.

Submissions (5):

Women's Health and Genetics/Laboratory Corporation of America, LabCorp
Classification: Uncertain significance. Last evaluated: 2025-04-28. Review status: criteria provided, single submitter. Criteria: LabCorp Variant Classification Summary - May 2015. Collection method: clinical testing. Allele origin: germline.
Comment: Variant summary: POMT1 c.1318G>A (p.Ala440Thr) results in a non-conservative amino acid change in the encoded protein sequence. Four of five in-silico tools predict a damaging effect of the variant on protein function. The variant allele was found at a frequency of 6.8e-05 in 251488 control chromosomes. This frequency is not significantly higher than estimated for a pathogenic variant in POMT1 causing Muscular dystrophy-dystroglycanopathy (congenital with brain and eye anomalies), type A1 (6.8e-05 vs 0.0035), allowing no conclusion about variant significance. To our knowledge, no occurrence of c.1318G>A in individuals affected with Muscular dystrophy-dystroglycanopathy (congenital with brain and eye anomalies), type A1 and no experimental evidence demonstrating its impact on protein function have been reported. ClinVar contains an entry for this variant (Variation ID: 166896). Based on the evidence outlined above, the variant was classified as uncertain significance.

Mayo Clinic Laboratories, Mayo Clinic
Classification: Uncertain significance. Last evaluated: 2022-11-09. Review status: criteria provided, single submitter. Criteria: ACMG Guidelines, 2015. Collection method: clinical testing. Allele origin: germline. Observed: 1 variant allele.
Comment: PM2

Labcorp Genetics (formerly Invitae), Labcorp
Classification: Uncertain significance for Muscular dystrophy-dystroglycanopathy (congenital with impaired intellectual development), type B, 1; Walker-Warburg congenital muscular dystrophy; Autosomal recessive limb-girdle muscular dystrophy type 2K. Last evaluated: 2022-08-07. Review status: criteria provided, single submitter. Criteria: Invitae Variant Classification Sherloc (09022015). Collection method: clinical testing. Allele origin: germline.
Comment: This sequence change replaces alanine, which is neutral and non-polar, with threonine, which is neutral and polar, at codon 440 of the POMT1 protein (p.Ala440Thr). This variant is present in population databases (rs142057517, gnomAD 0.03%). This variant has not been reported in the literature in individuals affected with POMT1-related conditions. ClinVar contains an entry for this variant (Variation ID: 166896). Algorithms developed to predict the effect of missense changes on protein structure and function (SIFT, PolyPhen-2, Align-GVGD) all suggest that this variant is likely to be tolerated. In summary, the available evidence is currently insufficient to determine the role of this variant in disease. Therefore, it has been classified as a Variant of Uncertain Significance.

GeneDx
Classification: Uncertain significance. Last evaluated: 2020-02-04. Review status: criteria provided, single submitter. Criteria: GeneDx Variant Classification Process June 2021. Collection method: clinical testing. Allele origin: germline. Affected: yes.
Comment: In silico analysis supports that this missense variant has a deleterious effect on protein structure/function; Has not been previously published as pathogenic or benign to our knowledge

Eurofins Ntd Llc (ga)
Classification: Uncertain significance. Last evaluated: 2017-05-03. Review status: criteria provided, single submitter. Criteria: EGL Classification Definitions 2015. Collection method: clinical testing. Allele origin: germline. Observed: 2 variant alleles, 2 heterozygotes.